The following is an entry in ClinVar:

ClinVar aggregate classification (germline): Uncertain significance. Review status: criteria provided, multiple submitters, no conflicts (2 of 4 stars). 2 submissions from 2 submitters: Uncertain significance (2). Last evaluated 2024-07-11.

Conditions:
Hereditary nonpolyposis colorectal neoplasms. Identifiers: MedGen C0009405, MeSH D003123.
Hereditary cancer-predisposing syndrome. Also called: Neoplastic Syndromes, Hereditary; Hereditary Cancer Syndrome; Tumor predisposition; Hereditary neoplastic syndrome. Identifiers: Orphanet 140162, MedGen C0027672, MeSH D009386, MONDO:0015356.

Submissions (2):

Ambry Genetics
Classification: Uncertain significance for Hereditary cancer-predisposing syndrome. Last evaluated: 2024-07-11. Review status: criteria provided, single submitter. Criteria: Ambry Variant Classification Scheme 2023. Collection method: clinical testing. Allele origin: germline.
Comment: The p.F686Y variant (also known as c.2057T>A), located in coding exon 12 of the PMS2 gene, results from a T to A substitution at nucleotide position 2057. The phenylalanine at codon 686 is replaced by tyrosine, an amino acid with highly similar properties. This amino acid position is conserved. In addition, this alteration is predicted to be deleterious by in silico analysis. Based on the available evidence, the clinical significance of this variant remains unclear.

Labcorp Genetics (formerly Invitae), Labcorp
Classification: Uncertain significance for Hereditary nonpolyposis colorectal neoplasms. Last evaluated: 2023-11-07. Review status: criteria provided, single submitter. Criteria: Invitae Variant Classification Sherloc (09022015). Collection method: clinical testing. Allele origin: germline.
Comment: This sequence change replaces phenylalanine, which is neutral and non-polar, with tyrosine, which is neutral and polar, at codon 686 of the PMS2 protein (p.Phe686Tyr). The frequency data for this variant in the population databases (gnomAD) is considered unreliable due to the presence of homologous sequence, such as pseudogenes or paralogs, in the genome. This variant has not been reported in the literature in individuals affected with PMS2-related conditions. Advanced modeling of protein sequence and biophysical properties (such as structural, functional, and spatial information, amino acid conservation, physicochemical variation, residue mobility, and thermodynamic stability) performed at Invitae indicates that this missense variant is expected to disrupt PMS2 protein function with a positive predictive value of 80%. In summary, the available evidence is currently insufficient to determine the role of this variant in disease. Therefore, it has been classified as a Variant of Uncertain Significance.

NM_000535.7(PMS2):c.2057T>A (p.Phe686Tyr)

Gene: PMS2 (PMS1 homolog 2, mismatch repair system component; minus strand). Cytogenetic location: 7p22.1.
Variant type: single nucleotide variant.
Coding change: c.2057T>A on transcript NM_000535.7 (MANE Select); coding-DNA position 2057, T replaced by A.
Protein change: p.Phe686Tyr; replaces phenylalanine 686 with tyrosine.
Molecular consequence: missense variant. On other transcripts: non-coding transcript variant (1), intron variant (4).
Genome position (GRCh38, 1-based): chr7:5,982,941, A>T on the plus strand (T>A on the coding strand, the complement: PMS2 is on the minus strand). VCF-style: chr7-5982941-A-T. GRCh37 (hg19) VCF-style: chr7-6022572-A-T.
Other names: c.1652T>A, p.Phe551Tyr (NM_001018040.1, NM_001322003.2, NM_001322004.2 and 15 more transcripts); c.1901T>A, p.Phe634Tyr (NM_001322006.2, NM_001406870.1); c.1739T>A, p.Phe580Tyr (NM_001322007.2, NM_001322008.2, NM_001406876.1 and 1 more transcripts); c.1496T>A, p.Phe499Tyr (NM_001322010.2, NM_001406906.1, NM_001406907.1); c.1124T>A, p.Phe375Tyr (NM_001322011.2, NM_001322012.2); c.1484T>A, p.Phe495Tyr (NM_001322013.2, NM_001406909.1); c.2057T>A, p.Phe686Tyr (NM_001322014.2, NM_001406871.1); c.1748T>A, p.Phe583Tyr (NM_001322015.2, NM_001406875.1, NM_001406877.1 and 5 more transcripts); and 16 more; short protein forms F620Y, F650Y, F694Y, F285Y, F499Y, F531Y, F630Y, F634Y.
Identifiers: ClinVar variation 2693974 (VCV002693974.4), dbSNP rs2128704084, ClinGen allele CA366738091.